The following is an entry in ClinVar:

NM_001037131.3(AGAP1):c.341A>T (p.Asp114Val)

Gene: AGAP1 (ArfGAP with GTPase domain, ankyrin repeat and PH domain 1; plus strand). Cytogenetic location: 2q37.2.
Variant type: single nucleotide variant.
Coding change: c.341A>T on transcript NM_001037131.3 (MANE Select); coding-DNA position 341, A replaced by T.
Protein change: p.Asp114Val; replaces aspartic acid 114 with valine.
Molecular consequence: missense variant.
Genome position (GRCh38, 1-based): chr2:235,740,993, A>T. VCF-style: chr2-235740993-A-T. GRCh37 (hg19) VCF-style: chr2-236649637-A-T.
Other names: c.341A>T, p.Asp114Val (NM_001244888.2, NM_001412122.1, NM_014914.5); short protein forms D114V.
Identifiers: ClinVar variation 2203289 (VCV002203289.4), dbSNP rs756920826, ClinGen allele CA2184337.

ClinVar aggregate classification (germline): Uncertain significance (1 of 4 stars; one submission).

Allele frequency attached by ClinVar (database versions not stated): gnomAD 0.00001; TOPMed 0.00001; ExAC 0.00016.
gnomAD v4.1: 119 of 1,614,180 alleles (0.0074%); highest among the groups gnomAD compares: South Asian, 0.1%; 3 homozygotes.

Submission:

Labcorp Genetics (formerly Invitae), Labcorp
Classification: Uncertain significance. Last evaluated: 2024-08-05. Review status: criteria provided, single submitter. Criteria: Invitae Variant Classification Sherloc (09022015). Collection method: clinical testing. Allele origin: germline.
Comment: This sequence change replaces aspartic acid, which is acidic and polar, with valine, which is neutral and non-polar, at codon 114 of the AGAP1 protein (p.Asp114Val). This variant is present in population databases (rs756920826, gnomAD 0.07%), and has an allele count higher than expected for a pathogenic variant. This variant has not been reported in the literature in individuals affected with AGAP1-related conditions. ClinVar contains an entry for this variant (Variation ID: 2203289). An algorithm developed to predict the effect of missense changes on protein structure and function (PolyPhen-2) suggests that this variant is likely to be disruptive. In summary, the available evidence is currently insufficient to determine the role of this variant in disease. Therefore, it has been classified as a Variant of Uncertain Significance.